The following is an entry in ClinVar:

ClinVar aggregate classification (germline): Uncertain significance. Review status: criteria provided, multiple submitters, no conflicts (2 of 4 stars). 2 submissions from 2 submitters: Uncertain significance (2). Last evaluated 2022-12-13.

Submissions (2):

Women's Health and Genetics/Laboratory Corporation of America, LabCorp
Classification: Uncertain significance. Last evaluated: 2022-12-13. Review status: criteria provided, single submitter. Criteria: LabCorp Variant Classification Summary - May 2015. Collection method: clinical testing. Allele origin: germline.
Comment: Variant summary: SHOX c.439C>A (p.Arg147Ser) results in a non-conservative amino acid change affecting a highly conserved amino acid located in the Homeobox domain (IPR001356) of the encoded protein sequence. Four of five in-silico tools predict a damaging effect of the variant on protein function. The SHOX gene is located in a pseudoautosomal region of the X and Y chromosomes. The variant was absent in 224776 control chromosomes (gnomAD). These data indicate that the variant may be associated with disease. To our knowledge, no experimental evidence demonstrating an impact on protein function has been reported. Other missense changes affecting the same amino acid are reported in affected individuals (HGMD). One clinical diagnostic laboratory has submitted clinical-significance assessments for this variant to ClinVar after 2014 without evidence for independent evaluation, and classified the variant as uncertain significance. Based on the evidence outlined above, the variant was classified as VUS-possibly pathogenic.

Athena Diagnostics
Classification: Uncertain significance. Last evaluated: 2020-12-15. Review status: criteria provided, single submitter. Criteria: Athena Diagnostics criteria. Collection method: clinical testing. Allele origin: unknown.

Literature cited by the submitters: PubMed 23729538 (cited by Women's Health and Genetics/Laboratory Corporation of America, LabCorp and Athena Diagnostics).

NM_000451.4(SHOX):c.439C>A (p.Arg147Ser)

Genes: SHOX (SHOX homeobox; plus strand), LOC107652445 (meiotic recombination hotspot SHOX; plus strand). Cytogenetic location: Xp22.33.
Variant type: single nucleotide variant.
Coding change: c.439C>A on transcript NM_000451.4 (MANE Select); coding-DNA position 439, C replaced by A.
Protein change: p.Arg147Ser; replaces arginine 147 with serine.
Molecular consequence: missense variant.
Genome position (GRCh38, 1-based): chrX:634,779, C>A. VCF-style: chrX-634779-C-A. GRCh37 (hg19) VCF-style: chrX-595514-C-A.
Other names: c.439C>A, p.Arg147Ser (NM_006883.2); short protein forms R147S.
Identifiers: ClinVar variation 1256553 (VCV001256553.2), dbSNP rs2124165990, ClinGen allele CA412231494.